The following is an entry in ClinVar:

NM_000687.4(AHCY):c.712C>T (p.Arg238Cys)

Gene: AHCY (adenosylhomocysteinase; minus strand). Cytogenetic location: 20q11.22.
Variant type: single nucleotide variant.
Coding change: c.712C>T on transcript NM_000687.4 (MANE Select); coding-DNA position 712, C replaced by T.
Protein change: p.Arg238Cys; replaces arginine 238 with cysteine.
Molecular consequence: missense variant.
Genome position (GRCh38, 1-based): chr20:34,290,785, G>A on the plus strand (C>T on the coding strand, the complement: AHCY is on the minus strand). VCF-style: chr20-34290785-G-A. GRCh37 (hg19) VCF-style: chr20-32878591-G-A.
Other names: c.712C>T (NM_000687.2); c.628C>T, p.Arg210Cys (NM_001161766.2, NM_001322084.2, NM_001322085.2); c.718C>T, p.Arg240Cys (NM_001322086.2); c.712C>T, p.Arg238Cys (NM_001362750.2); short protein forms R238C, R240C, R210C.
Identifiers: ClinVar variation 1939033 (VCV001939033.6), dbSNP rs989680443, ClinGen allele CA313350152.

ClinVar aggregate classification (germline): Uncertain significance. Review status: criteria provided, multiple submitters, no conflicts (2 of 4 stars). 2 submissions from 2 submitters: Uncertain significance (2). Last evaluated 2023-03-08.

Conditions:
Hypermethioninemia with deficiency of S-adenosylhomocysteine hydrolase. Identifiers: Orphanet 88618, MedGen C3151058, MONDO:0013404, OMIM 613752.

Allele frequency attached by ClinVar (database versions not stated): TOPMed below 0.00001; gnomAD 0.00001.
gnomAD v4.1: 16 of 1,613,786 alleles (0.00099%); highest among the groups gnomAD compares: Non-Finnish European, 0.0012%; no homozygotes.

Submissions (2):

GeneDx
Classification: Uncertain significance. Last evaluated: 2023-03-08. Review status: criteria provided, single submitter. Criteria: GeneDx Variant Classification Process June 2021. Collection method: clinical testing. Allele origin: germline. Affected: yes.
Comment: Not observed at significant frequency in large population cohorts (gnomAD); In silico analysis supports that this missense variant has a deleterious effect on protein structure/function; Has not been previously published as pathogenic or benign to our knowledge

Labcorp Genetics (formerly Invitae), Labcorp
Classification: Uncertain significance for Hypermethioninemia with deficiency of S-adenosylhomocysteine hydrolase. Last evaluated: 2022-06-08. Review status: criteria provided, single submitter. Criteria: Invitae Variant Classification Sherloc (09022015). Collection method: clinical testing. Allele origin: germline.
Comment: This sequence change replaces arginine, which is basic and polar, with cysteine, which is neutral and slightly polar, at codon 238 of the AHCY protein (p.Arg238Cys). In summary, the available evidence is currently insufficient to determine the role of this variant in disease. Therefore, it has been classified as a Variant of Uncertain Significance. Algorithms developed to predict the effect of missense changes on protein structure and function are either unavailable or do not agree on the potential impact of this missense change (SIFT: "Not Available"; PolyPhen-2: "Benign"; Align-GVGD: "Not Available"). This variant has not been reported in the literature in individuals affected with AHCY-related conditions. This variant is present in population databases (no rsID available, gnomAD 0.002%).